The following is an entry in ClinVar:

NM_000255.4(MMUT):c.800A>G (p.Gln267Arg)

Gene: MMUT (methylmalonyl-CoA mutase; minus strand). Cytogenetic location: 6p12.3.
Variant type: single nucleotide variant.
Coding change: c.800A>G on transcript NM_000255.4 (MANE Select); coding-DNA position 800, A replaced by G.
Protein change: p.Gln267Arg; replaces glutamine 267 with arginine.
Molecular consequence: missense variant.
Genome position (GRCh38, 1-based): chr6:49,456,191, T>C on the plus strand (A>G on the coding strand, the complement: MMUT is on the minus strand). VCF-style: chr6-49456191-T-C. GRCh37 (hg19) VCF-style: chr6-49423904-T-C.
Other names: short protein forms Q267R.
Identifiers: ClinVar variation 2155582 (VCV002155582.4), dbSNP rs2481343913, ClinGen allele CA364402454.

ClinVar aggregate classification (germline): Uncertain significance (1 of 4 stars; one submission).

Allele frequency attached by ClinVar (database versions not stated): gnomAD exomes below 0.00001.
gnomAD v4.1: 1 of 1,612,266 alleles (0.000062%); highest among the groups gnomAD compares: Non-Finnish European, 0.000085%; no homozygotes.

Submission:

Labcorp Genetics (formerly Invitae), Labcorp
Classification: Uncertain significance. Last evaluated: 2024-04-22. Review status: criteria provided, single submitter. Criteria: Invitae Variant Classification Sherloc (09022015). Collection method: clinical testing. Allele origin: germline.
Comment: This sequence change replaces glutamine, which is neutral and polar, with arginine, which is basic and polar, at codon 267 of the MUT protein (p.Gln267Arg). This variant is not present in population databases (gnomAD no frequency). This variant has not been reported in the literature in individuals affected with MUT-related conditions. ClinVar contains an entry for this variant (Variation ID: 2155582). Advanced modeling of protein sequence and biophysical properties (such as structural, functional, and spatial information, amino acid conservation, physicochemical variation, residue mobility, and thermodynamic stability) performed at Invitae indicates that this missense variant is expected to disrupt MUT protein function with a positive predictive value of 95%. In summary, the available evidence is currently insufficient to determine the role of this variant in disease. Therefore, it has been classified as a Variant of Uncertain Significance.